The following is an entry in ClinVar:

NM_003151.4(STAT4):c.1425C>A (p.Asn475Lys)

Gene: STAT4 (signal transducer and activator of transcription 4; minus strand). Cytogenetic location: 2q32.2.
Variant type: single nucleotide variant.
Coding change: c.1425C>A on transcript NM_003151.4 (MANE Select); coding-DNA position 1425, C replaced by A.
Protein change: p.Asn475Lys; replaces asparagine 475 with lysine.
Molecular consequence: missense variant.
Genome position (GRCh38, 1-based): chr2:191,039,208, G>T on the plus strand (C>A on the coding strand, the complement: STAT4 is on the minus strand). VCF-style: chr2-191039208-G-T. GRCh37 (hg19) VCF-style: chr2-191903934-G-T.
Other names: c.1425C>A, p.Asn475Lys (NM_001243835.2); short protein forms N475K.
Identifiers: ClinVar variation 1718513 (VCV001718513.6), dbSNP rs769952683, ClinGen allele CA349910770.

ClinVar aggregate classification (germline): Uncertain significance (1 of 4 stars; one submission).

Submission:

Labcorp Genetics (formerly Invitae), Labcorp
Classification: Uncertain significance. Last evaluated: 2022-08-31. Review status: criteria provided, single submitter. Criteria: Invitae Variant Classification Sherloc (09022015). Collection method: clinical testing. Allele origin: germline.
Comment: This variant has not been reported in the literature in individuals affected with STAT4-related conditions. In summary, the available evidence is currently insufficient to determine the role of this variant in disease. Therefore, it has been classified as a Variant of Uncertain Significance. Algorithms developed to predict the effect of missense changes on protein structure and function (SIFT, PolyPhen-2, Align-GVGD) all suggest that this variant is likely to be tolerated. This variant is not present in population databases (gnomAD no frequency). This sequence change replaces asparagine, which is neutral and polar, with lysine, which is basic and polar, at codon 475 of the STAT4 protein (p.Asn475Lys).